The following is an entry in ClinVar:

ClinVar aggregate classification (germline): Uncertain significance (1 of 4 stars; one submission).

Conditions:
Inborn genetic diseases. Identifiers: MedGen C0950123, MeSH D030342.

gnomAD v4.1: 6 of 1,612,954 alleles (0.00037%); highest among the groups gnomAD compares: South Asian, 0.0033%; no homozygotes.

Submission:

Ambry Genetics
Classification: Uncertain significance for Inborn genetic diseases. Last evaluated: 2021-01-27. Review status: criteria provided, single submitter. Criteria: Ambry Variant Classification Scheme 2023. Collection method: clinical testing. Allele origin: germline.
Comment: The c.3698C>G (p.S1233W) alteration is located in exon 17 (coding exon 16) of the SPTBN4 gene. This alteration results from a C to G substitution at nucleotide position 3698, causing the serine (S) at amino acid position 1233 to be replaced by a tryptophan (W). The p.S1233W alteration is predicted to be tolerated by in silico analysis. Based on insufficient or conflicting evidence, the clinical significance of this alteration remains unclear.

NM_020971.3(SPTBN4):c.3698C>G (p.Ser1233Trp)

Gene: SPTBN4 (spectrin beta, non-erythrocytic 4; plus strand). Cytogenetic location: 19q13.2.
Variant type: single nucleotide variant.
Coding change: c.3698C>G on transcript NM_020971.3 (MANE Select); coding-DNA position 3698, C replaced by G.
Protein change: p.Ser1233Trp; replaces serine 1233 with tryptophan.
Molecular consequence: missense variant.
Genome position (GRCh38, 1-based): chr19:40,523,480, C>G. VCF-style: chr19-40523480-C-G. GRCh37 (hg19) VCF-style: chr19-41029387-C-G.
Other names: short protein forms S1233W.
Identifiers: ClinVar variation 2228782 (VCV002228782.2), dbSNP rs771588563, ClinGen allele CA405917685.
Genomic context (GRCh38, chr19:40,523,480, plus strand): 5'-CGCTCCCTCCTCCCCAGGAGATGGCGCTGTCTGGTGCGGAGCTCCCGGGCACAGTGGAAT[C>G]GGTGGAGGAGGCCTTGAAACAGCACCGTGACTTTCTCACCACCATGGAGCTGAGCCAGCA-3'
Protein context (NP_066022.2, residues 1223-1243): SGAELPGTVE[Ser1233Trp]VEEALKQHRD